The following is an entry in ClinVar:

NM_000094.4(COL7A1):c.7204G>A (p.Val2402Ile)

Gene: COL7A1 (collagen type VII alpha 1 chain; minus strand). Cytogenetic location: 3p21.31.
Variant type: single nucleotide variant.
Coding change: c.7204G>A on transcript NM_000094.4 (MANE Select); coding-DNA position 7204, G replaced by A.
Protein change: p.Val2402Ile; replaces valine 2402 with isoleucine.
Molecular consequence: missense variant.
Genome position (GRCh38, 1-based): chr3:48,570,929, C>T on the plus strand (G>A on the coding strand, the complement: COL7A1 is on the minus strand). VCF-style: chr3-48570929-C-T. GRCh37 (hg19) VCF-style: chr3-48608362-C-T.
Other names: short protein forms V2402I.
Identifiers: ClinVar variation 345812 (VCV000345812.8), dbSNP rs761576147, ClinGen allele CA2378603.
Genomic context (GRCh38, chr3:48,570,929, plus strand): 5'-CACTAGGGCCTGGCTGACCCATCTCTCCTCGAGGGCCTGTCTGACCCGGGAACCCAACAA[C>T]ACCAGGAGCACCGGGCAGGCCAGGGAGGCCCAGATCTCCCTGAAATAAAAACAGCAAAGG-3'
Protein context (NP_000085.1, residues 2392-2412): GLPGLPGAPG[Val2402Ile]VGFPGQTGPR

ClinVar aggregate classification (germline): Uncertain significance. Review status: criteria provided, multiple submitters, no conflicts (2 of 4 stars). 3 submissions from 3 submitters: Uncertain significance (3). Last evaluated 2024-08-14.

Conditions:
Epidermolysis bullosa dystrophica. Also called: Dystrophic epidermolysis bullosa, Hallopeau-Siemens type (formerly); Dystrophic epidermolysis bullosa. Identifiers: Orphanet 303, MedGen C0079294, MONDO:0006543.

Allele frequency attached by ClinVar (database versions not stated): ExAC 0.00001; gnomAD 0.00001; gnomAD exomes 0.00001 and 0.00004; TOPMed 0.00005.
gnomAD v4.1: 68 of 1,613,674 alleles (0.0042%); highest among the groups gnomAD compares: African/African-American, 0.0067%; no homozygotes.

Submissions (3):

Labcorp Genetics (formerly Invitae), Labcorp
Classification: Uncertain significance. Last evaluated: 2024-08-14. Review status: criteria provided, single submitter. Criteria: Invitae Variant Classification Sherloc (09022015). Collection method: clinical testing. Allele origin: germline.
Comment: This sequence change replaces valine, which is neutral and non-polar, with isoleucine, which is neutral and non-polar, at codon 2402 of the COL7A1 protein (p.Val2402Ile). This variant is present in population databases (rs761576147, gnomAD 0.002%). This variant has not been reported in the literature in individuals affected with COL7A1-related conditions. ClinVar contains an entry for this variant (Variation ID: 345812). Invitae Evidence Modeling of protein sequence and biophysical properties (such as structural, functional, and spatial information, amino acid conservation, physicochemical variation, residue mobility, and thermodynamic stability) indicates that this missense variant is not expected to disrupt COL7A1 protein function with a negative predictive value of 95%. In summary, the available evidence is currently insufficient to determine the role of this variant in disease. Therefore, it has been classified as a Variant of Uncertain Significance.

GeneDx
Classification: Uncertain significance. Last evaluated: 2023-03-10. Review status: criteria provided, single submitter. Criteria: GeneDx Variant Classification Process June 2021. Collection method: clinical testing. Allele origin: germline. Affected: yes.
Comment: In silico analysis supports that this missense variant has a deleterious effect on splicing; In silico analysis supports that this missense variant does not alter protein structure/function; Has not been previously published as pathogenic or benign to our knowledge

Illumina Laboratory Services, Illumina
Classification: Uncertain significance for Dystrophic epidermolysis bullosa. Last evaluated: 2018-01-13. Review status: criteria provided, single submitter. Criteria: ICSL Variant Classification Criteria 13 December 2019. Collection method: clinical testing. Allele origin: germline.